The following is an entry in ClinVar:

NM_031475.3(ESPN):c.426C>G (p.Ile142Met)

Gene: ESPN (espin; plus strand). Cytogenetic location: 1p36.31.
Variant type: single nucleotide variant.
Coding change: c.426C>G on transcript NM_031475.3 (MANE Select); coding-DNA position 426, C replaced by G.
Protein change: p.Ile142Met; replaces isoleucine 142 with methionine.
Molecular consequence: missense variant.
Genome position (GRCh38, 1-based): chr1:6,428,357, C>G. VCF-style: chr1-6428357-C-G. GRCh37 (hg19) VCF-style: chr1-6488417-C-G.
Other names: c.426C>G, p.Ile142Met (NM_001367473.1, NM_001367474.1); short protein forms I142M.
Identifiers: ClinVar variation 5017796 (VCV005017796.1).

ClinVar aggregate classification (germline): Uncertain significance (1 of 4 stars; one submission).

gnomAD v4.1: 3 of 1,613,116 alleles (0.00019%); highest among the groups gnomAD compares: Admixed American, 0.0033%; no homozygotes.

Submission:

GeneDx
Classification: Uncertain significance. Last evaluated: 2026-04-02. Review status: criteria provided, single submitter. Criteria: GeneDx Variant Classification Process June 2021. Collection method: clinical testing. Allele origin: germline.
Comment: Not observed at significant frequency in large population cohorts (gnomAD); In silico analysis suggests that this missense variant does not alter protein structure/function; Has not been previously published as pathogenic or benign to our knowledge